The following is an entry in ClinVar:

ClinVar aggregate classification (germline): Uncertain significance (1 of 4 stars; one submission).

Conditions:
Hereditary cancer-predisposing syndrome. Also called: Neoplastic Syndromes, Hereditary; Hereditary Cancer Syndrome; Tumor predisposition; Hereditary neoplastic syndrome. Identifiers: Orphanet 140162, MedGen C0027672, MeSH D009386, MONDO:0015356.

Submission:

Ambry Genetics
Classification: Uncertain significance for Hereditary cancer-predisposing syndrome. Last evaluated: 2024-12-20. Review status: criteria provided, single submitter. Criteria: Ambry Variant Classification Scheme 2023. Collection method: clinical testing. Allele origin: germline.
Comment: The p.S111T variant (also known as c.331T>A), located in coding exon 3 of the SMARCB1 gene, results from a T to A substitution at nucleotide position 331. The serine at codon 111 is replaced by threonine, an amino acid with similar properties. This amino acid position is conserved. In addition, the in silico prediction for this alteration is inconclusive. Based on the available evidence, the clinical significance of this variant remains unclear.

NM_003073.5(SMARCB1):c.331T>A (p.Ser111Thr)

Gene: SMARCB1 (SWI/SNF related BAF chromatin remodeling complex subunit B1; plus strand). Cytogenetic location: 22q11.23.
Variant type: single nucleotide variant.
Coding change: c.331T>A on transcript NM_003073.5 (MANE Select); coding-DNA position 331, T replaced by A.
Protein change: p.Ser111Thr; replaces serine 111 with threonine.
Molecular consequence: missense variant.
Genome position (GRCh38, 1-based): chr22:23,793,657, T>A. VCF-style: chr22-23793657-T-A. GRCh37 (hg19) VCF-style: chr22-24135844-T-A.
Other names: c.331T>A, p.Ser111Thr (NM_001362877.2); c.304T>A, p.Ser102Thr (NM_001007468.3, NM_001317946.2); short protein forms S111T, S102T.
Identifiers: ClinVar variation 3798950 (VCV003798950.1).